The following is an entry in ClinVar:

NM_175914.5(HNF4A):c.906C>T (p.Asn302=)

Gene: HNF4A (hepatocyte nuclear factor 4 alpha; plus strand). Cytogenetic location: 20q13.12.
Variant type: single nucleotide variant.
Coding change: c.906C>T on transcript NM_175914.5 (MANE Select); coding-DNA position 906, C replaced by T.
Protein change: p.Asn302=; no amino-acid change (asparagine 302 retained).
Molecular consequence: synonymous variant.
Genome position (GRCh38, 1-based): chr20:44,424,097, C>T. VCF-style: chr20-44424097-C-T. GRCh37 (hg19) VCF-style: chr20-43052737-C-T.
Other names: NM_175914.5(HNF4A):c.906C>T; p.Asn302=; c.972C>T, p.Asn324= (NM_000457.6, NM_178849.3, NM_178850.3); c.906C>T, p.Asn302= (NM_001030003.3, NM_001030004.3); c.951C>T, p.Asn317= (NM_001258355.2); c.897C>T, p.Asn299= (NM_001287182.2, NM_001287183.2, NM_001287184.2).
Identifiers: ClinVar variation 435435 (VCV000435435.8), dbSNP rs186151007, ClinGen allele CA9870405.

ClinVar aggregate classification (germline): Likely benign. Review status: reviewed by expert panel (3 of 4 stars). 3 submissions from 3 submitters: Likely benign (1). 2 of the submissions do not count toward it. Last evaluated 2024-12-02.

Conditions:
Monogenic diabetes. Identifiers: Orphanet 183625, MedGen C3888631, MONDO:0015967.
Maturity-onset diabetes of the young (MODY). Also called: Maturity onset diabetes mellitus in young. Identifiers: Orphanet 552, MedGen C0342276, MONDO:0018911, HP:0004904.

Allele frequency attached by ClinVar (database versions not stated): gnomAD exomes below 0.00001 and 0.00002; TOPMed below 0.00001; ExAC 0.00001; gnomAD 0.00001; 1000 Genomes Project 30x 0.00016; 1000 Genomes Project 0.00020.
gnomAD v4.1: 8 of 1,613,354 alleles (0.0005%); highest among the groups gnomAD compares: East Asian, 0.0022%; no homozygotes.

Submissions (3):

ClinGen Monogenic Diabetes Variant Curation Expert Panel
Classification: Likely benign for Monogenic diabetes. Last evaluated: 2024-12-02. Review status: reviewed by expert panel. Criteria: ClinGen Diabetes ACMG Specifications HNF4A V2.0.0. Collection method: curation. Allele origin: germline. Inheritance: Autosomal dominant inheritance.
Comment: The c.906C>T variant in the HNF4 homeobox A gene, HNF4A, is a synonymous variant at codon 302 (p.(Asn302=)) of NM_175914.5.This variant is not predicted by SpliceAI to impact splicing (SpliceAI score of 0.001 for donor loss, which is less than the MDEP cutoff of 0.2) and is not highly conserved (phyloP100way score of -2.537, which is below the MDEP cutoff of 2.0) (BP4, BP7). The Grpmax filtering allele frequency of the c.906C>T variant in gnomAD v2.1.1 is 0.000011, which falls between ClinGen MDEP-established cutoffs for PM2_Supporting and BS1; thus, neither criterion will be applied. In summary, c.906C>T meets the criteria to be classified as likely benign for monogenic diabetes. ACMG/AMP criteria applied, as specified by the ClinGen MDEP (specification version 2.0.0, approved 10/11/2023): BP4, BP7.

Genetic Services Laboratory, University of Chicago
Classification: Likely benign. Last evaluated: 2016-07-19. Review status: criteria provided, single submitter. Criteria: ACMG Guidelines, 2015. Collection method: clinical testing. Allele origin: germline. Affected: no. Not counted in ClinVar's aggregate classification.

Clinical Genomics, Uppaluri K&H Personalized Medicine Clinic
Classification: Likely benign for Maturity-onset diabetes of the young. Review status: criteria provided, single submitter. Criteria: K & H Uppaluri Personalized Medicine Clinic Variant Classification & Assertion Criteria_Updated V.1. Collection method: research. Allele origin: unknown. Inheritance: Autosomal dominant inheritance. Not counted in ClinVar's aggregate classification.
Comment: Potent mutations in HNF4A are associated with poor insulin secretion in response to hyperglycemia. Associated with MODY1. Patients initially respond well to sulfonylureas but eventually become insulin dependent. However, more evidence is required to ascertain the role of this particular variant rs186151007 in MODY, yet.

Literature cited by the submitters: DOI 10.1159/000334532 (cited by Clinical Genomics, Uppaluri K&H Personalized Medicine Clinic); PubMed 18268044 (cited by Clinical Genomics, Uppaluri K&H Personalized Medicine Clinic); PubMed 17563455 (cited by Clinical Genomics, Uppaluri K&H Personalized Medicine Clinic); PubMed 32583173 (cited by Clinical Genomics, Uppaluri K&H Personalized Medicine Clinic); PubMed 35052457 (cited by Clinical Genomics, Uppaluri K&H Personalized Medicine Clinic); PubMed 35118593 (cited by Clinical Genomics, Uppaluri K&H Personalized Medicine Clinic).